The following is an entry in ClinVar:

NM_015662.3(IFT172):c.2094T>C (p.Ala698=)

Gene: IFT172 (intraflagellar transport 172; minus strand). Cytogenetic location: 2p23.3.
Variant type: single nucleotide variant.
Coding change: c.2094T>C on transcript NM_015662.3 (MANE Select); coding-DNA position 2094, T replaced by C.
Protein change: p.Ala698=; no amino-acid change (alanine 698 retained).
Molecular consequence: synonymous variant.
Genome position (GRCh38, 1-based): chr2:27,462,722, A>G on the plus strand (T>C on the coding strand, the complement: IFT172 is on the minus strand). VCF-style: chr2-27462722-A-G. GRCh37 (hg19) VCF-style: chr2-27685589-A-G.
Other names: c.2028T>C, p.Ala676= (NM_001410739.1); c.2094T>C (NM_015662.2).
Identifiers: ClinVar variation 1929635 (VCV001929635.7), dbSNP rs934603619, ClinGen allele CA44499440.
Genomic context (GRCh38, chr2:27,462,722, plus strand): 5'-CATATCCCCTCTTCCATCCTGTCCCTCTTTTCCTATTACCTGTTCCAAAAAGATCATTTC[A>G]GCCAGTTTGTAGTTCTTTTCCAGCATGGCTAGACGTGCTCGGACCTGATAAAAGTCTGTT-3'
Protein context (NP_056477.1, residues 688-708): LAMLEKNYKL[Ala698=]EMIFLEQNAV

ClinVar aggregate classification (germline): Likely benign. Review status: criteria provided, single submitter (1 of 4 stars). 2 submissions from 2 submitters: Likely benign (1). 1 of the submissions does not count toward it. Last evaluated 2023-12-31.

Conditions:
IFT172-related disorder. Also called: IFT172-related condition; IFT172-related disorders.
Short-rib thoracic dysplasia 10 with or without polydactyly (SRTD10). Identifiers: Orphanet 474, MedGen C3810175, MONDO:0014284, OMIM 615630.
Retinitis pigmentosa 71 (RP71). Identifiers: Orphanet 791, MedGen C4225342, MONDO:0014618, OMIM 616394.

Allele frequency attached by ClinVar (database versions not stated): gnomAD exomes below 0.00001; TOPMed below 0.00001; gnomAD 0.00001.
gnomAD v4.1: 5 of 1,613,572 alleles (0.00031%); highest among the groups gnomAD compares: African/African-American, 0.0027%; no homozygotes.

Submissions (2):

Labcorp Genetics (formerly Invitae), Labcorp
Classification: Likely benign for Retinitis pigmentosa 71; Short-rib thoracic dysplasia 10 with or without polydactyly. Last evaluated: 2023-12-31. Review status: criteria provided, single submitter. Criteria: Invitae Variant Classification Sherloc (09022015). Collection method: clinical testing. Allele origin: germline.

PreventionGenetics, part of Exact Sciences
Classification: Likely benign for IFT172-related condition. Last evaluated: 2022-12-21. Review status: no assertion criteria provided. Collection method: clinical testing. Allele origin: germline. Not counted in ClinVar's aggregate classification.
Comment: This variant is classified as likely benign based on ACMG/AMP sequence variant interpretation guidelines (Richards et al. 2015 PMID: 25741868, with internal and published modifications).